The following is an entry in ClinVar:

ClinVar aggregate classification (germline): Uncertain significance. Review status: criteria provided, multiple submitters, no conflicts (2 of 4 stars). 3 submissions from 3 submitters: Uncertain significance (3). Last evaluated 2025-06-12.

Conditions:
Inborn genetic diseases. Identifiers: MedGen C0950123, MeSH D030342.
Combined oxidative phosphorylation defect type 11. Also called: Combined oxidative phosphorylation deficiency 11; ENCEPHALONEUROMYOPATHY, INFANTILE, DUE TO MITOCHONDRIAL TRANSLATION DEFECT. Identifiers: Orphanet 324535, MedGen C5190991, MONDO:0013969, OMIM 614922.

Allele frequency attached by ClinVar (database versions not stated): gnomAD 0.00003 and 0.00004; gnomAD exomes 0.00005; TOPMed 0.00005; ExAC 0.00008.

Submissions (3):

Labcorp Genetics (formerly Invitae), Labcorp
Classification: Uncertain significance. Last evaluated: 2025-06-12. Review status: criteria provided, single submitter. Criteria: Invitae Variant Classification Sherloc (09022015). Collection method: clinical testing. Allele origin: germline.
Comment: This sequence change replaces arginine, which is basic and polar, with cysteine, which is neutral and slightly polar, at codon 362 of the RMND1 protein (p.Arg362Cys). This variant is present in population databases (rs755188314, gnomAD 0.03%). This variant has not been reported in the literature in individuals affected with RMND1-related conditions. ClinVar contains an entry for this variant (Variation ID: 1414134). Invitae Evidence Modeling of protein sequence and biophysical properties (such as structural, functional, and spatial information, amino acid conservation, physicochemical variation, residue mobility, and thermodynamic stability) indicates that this missense variant is not expected to disrupt RMND1 protein function with a negative predictive value of 80%. In summary, the available evidence is currently insufficient to determine the role of this variant in disease. Therefore, it has been classified as a Variant of Uncertain Significance.

Ambry Genetics
Classification: Uncertain significance for Inborn genetic diseases. Last evaluated: 2025-03-20. Review status: criteria provided, single submitter. Criteria: Ambry Variant Classification Scheme 2023. Collection method: clinical testing. Allele origin: germline.

Fulgent Genetics
Classification: Uncertain significance for Combined oxidative phosphorylation defect type 11. Last evaluated: 2024-06-18. Review status: criteria provided, single submitter. Criteria: ACMG Guidelines, 2015. Collection method: clinical testing. Allele origin: germline.

NM_017909.4(RMND1):c.1084C>T (p.Arg362Cys)

Gene: RMND1 (required for meiotic nuclear division 1 homolog; minus strand). Cytogenetic location: 6q25.1.
Variant type: single nucleotide variant.
Coding change: c.1084C>T on transcript NM_017909.4 (MANE Select); coding-DNA position 1084, C replaced by T.
Protein change: p.Arg362Cys; replaces arginine 362 with cysteine.
Molecular consequence: missense variant.
Genome position (GRCh38, 1-based): chr6:151,417,395, G>A on the plus strand (C>T on the coding strand, the complement: RMND1 is on the minus strand). VCF-style: chr6-151417395-G-A. GRCh37 (hg19) VCF-style: chr6-151738530-G-A.
Other names: c.1084C>T (NM_017909.2); c.574C>T, p.Arg192Cys (NM_001271937.2); short protein forms R362C, R192C.
Identifiers: ClinVar variation 1414134 (VCV001414134.9), dbSNP rs755188314, ClinGen allele CA4050802.